The following is an entry in ClinVar:

ClinVar aggregate classification (germline): Likely pathogenic (1 of 4 stars; one submission).

Conditions:
Optic atrophy 9 (OPA9). Identifiers: MedGen C4225384, MONDO:0014571, OMIM 616289.

Submission:

MGZ Medical Genetics Center
Classification: Likely pathogenic for Optic atrophy 9. Last evaluated: 2022-06-23. Review status: criteria provided, single submitter. Criteria: ACMG Guidelines, 2015. Collection method: clinical testing. Allele origin: germline. Affected: yes. Observed: 1 variant allele.
Comment: ACMG criteria applied: PVS1, PM2_SUP

NM_001098.3(ACO2):c.1823_1896dup (p.Arg633fs)

Genes: ACO2 (aconitase 2; plus strand), POLR3H (RNA polymerase III subunit H; minus strand). Cytogenetic location: 22q13.2.
Variant type: Duplication.
Coding change: c.1823_1896dup on transcript NM_001098.3 (MANE Select); coding-DNA positions 1823 to 1896, 74 bases duplicated.
Protein change: p.Arg633fs; shifts the reading frame from arginine 633.
Molecular consequence: frameshift variant. On other transcripts: 3 prime UTR variant (5).
Genome position (GRCh38, 1-based): chr22:41,526,323-41,526,396, 74 bases duplicated. GRCh37 (hg19): chr22:41,922,327-41,922,400.
Other names: c.*2893_*2966dup (NM_001018050.4, NM_001018052.4, NM_001282884.2 and 2 more transcripts); short protein forms R633fs.
Identifiers: ClinVar variation 1709577 (VCV001709577.2), dbSNP rs2518236207, ClinGen allele CA2580099865.